The following is an entry in ClinVar:

NM_000094.4(COL7A1):c.1733G>A (p.Arg578Gln)

Gene: COL7A1 (collagen type VII alpha 1 chain; minus strand). Cytogenetic location: 3p21.31.
Variant type: single nucleotide variant.
Coding change: c.1733G>A on transcript NM_000094.4 (MANE Select); coding-DNA position 1733, G replaced by A.
Protein change: p.Arg578Gln; replaces arginine 578 with glutamine.
Molecular consequence: missense variant.
Genome position (GRCh38, 1-based): chr3:48,590,720, C>T on the plus strand (G>A on the coding strand, the complement: COL7A1 is on the minus strand). VCF-style: chr3-48590720-C-T. GRCh37 (hg19) VCF-style: chr3-48628153-C-T.
Other names: short protein forms R578Q.
Identifiers: ClinVar variation 3715436 (VCV003715436.3).

ClinVar aggregate classification (germline): Uncertain significance. Review status: criteria provided, multiple submitters, no conflicts (2 of 4 stars). 2 submissions from 2 submitters: Uncertain significance (2). Last evaluated 2025-11-20.

Conditions:
Inborn genetic diseases. Identifiers: MedGen C0950123, MeSH D030342.

gnomAD v4.1: 1 of 1,613,886 alleles (0.000062%); highest among the groups gnomAD compares: African/African-American, 0.0013%; no homozygotes.

Submissions (2):

Ambry Genetics
Classification: Uncertain significance for Inborn genetic diseases. Last evaluated: 2025-11-20. Review status: criteria provided, single submitter. Criteria: Ambry Variant Classification Scheme 2023. Collection method: clinical testing. Allele origin: germline.

Labcorp Genetics (formerly Invitae), Labcorp
Classification: Uncertain significance. Last evaluated: 2024-03-20. Review status: criteria provided, single submitter. Criteria: Invitae Variant Classification Sherloc (09022015). Collection method: clinical testing. Allele origin: germline.
Comment: This sequence change replaces arginine, which is basic and polar, with glutamine, which is neutral and polar, at codon 578 of the COL7A1 protein (p.Arg578Gln). This variant is not present in population databases (gnomAD no frequency). This variant has not been reported in the literature in individuals affected with COL7A1-related conditions. Advanced modeling of protein sequence and biophysical properties (such as structural, functional, and spatial information, amino acid conservation, physicochemical variation, residue mobility, and thermodynamic stability) performed at Invitae indicates that this missense variant is not expected to disrupt COL7A1 protein function with a negative predictive value of 95%. In summary, the available evidence is currently insufficient to determine the role of this variant in disease. Therefore, it has been classified as a Variant of Uncertain Significance.